The following is an entry in ClinVar:

ClinVar aggregate classification (germline): Uncertain significance (1 of 4 stars; one submission).

Submission:

Labcorp Genetics (formerly Invitae), Labcorp
Classification: Uncertain significance. Last evaluated: 2022-04-07. Review status: criteria provided, single submitter. Criteria: Invitae Variant Classification Sherloc (09022015). Collection method: clinical testing. Allele origin: germline.
Comment: In summary, the available evidence is currently insufficient to determine the role of this variant in disease. Therefore, it has been classified as a Variant of Uncertain Significance. Algorithms developed to predict the effect of missense changes on protein structure and function (SIFT, PolyPhen-2, Align-GVGD) all suggest that this variant is likely to be tolerated. This variant has not been reported in the literature in individuals affected with SLC10A2-related conditions. This variant is not present in population databases (gnomAD no frequency). This sequence change replaces phenylalanine, which is neutral and non-polar, with leucine, which is neutral and non-polar, at codon 233 of the SLC10A2 protein (p.Phe233Leu).

NM_000452.3(SLC10A2):c.697T>C (p.Phe233Leu)

Gene: SLC10A2 (solute carrier family 10 member 2; minus strand). Cytogenetic location: 13q33.1.
Variant type: single nucleotide variant.
Coding change: c.697T>C on transcript NM_000452.3 (MANE Select); coding-DNA position 697, T replaced by C.
Protein change: p.Phe233Leu; replaces phenylalanine 233 with leucine.
Molecular consequence: missense variant.
Genome position (GRCh38, 1-based): chr13:103,051,321, A>G on the plus strand (T>C on the coding strand, the complement: SLC10A2 is on the minus strand). VCF-style: chr13-103051321-A-G. GRCh37 (hg19) VCF-style: chr13-103703671-A-G.
Other names: short protein forms F233L.
Identifiers: ClinVar variation 2122682 (VCV002122682.4), dbSNP rs2501813860, ClinGen allele CA388606117.